The following is an entry in ClinVar:

NM_002382.5(MAX):c.124dup (p.Ser42fs)

Genes: MAX (MYC associated transcriptional regulator X; minus strand), MAX-AS1 (MAX antisense RNA 1; plus strand). Cytogenetic location: 14q23.3.
Variant type: Duplication.
Coding change: c.124dup on transcript NM_002382.5 (MANE Select); coding-DNA position 124, one base duplicated (A; older notation c.124dupA).
Protein change: p.Ser42fs; shifts the reading frame from serine 42.
Molecular consequence: frameshift variant. On other transcripts: non-coding transcript variant (12), 5 prime UTR variant (6), intron variant (1).
Genome position (GRCh38, 1-based): chr14:65,093,755, T duplicated on the plus strand (A on the coding strand, the reverse complement: MAX is on the minus strand). VCF-style (leftmost placement, unchanged base first): chr14-65093754-C-CT. GRCh37 (hg19) VCF-style: chr14-65560472-C-CT.
Other names: c.97dup, p.Ser33fs (NM_001271068.2, NM_001271069.2, NM_001407095.1 and 9 more transcripts); c.-151dup (NM_001320415.2, NM_001407105.1, NM_001407106.1 and 1 more transcripts); c.124dup, p.Ser42fs (NM_001407094.1, NM_001407096.1, NM_001407097.1 and 5 more transcripts); c.-244dup (NM_001407111.1, NM_001407112.1); c.147dup, p.Ala50fs (NM_001407114.1); c.63+7791dup (NM_001407098.1); c.124dupA (NM_002382.3); short protein forms A50fs, S33fs, S42fs.
Identifiers: ClinVar variation 3222151 (VCV003222151.1), dbSNP rs2504404306, ClinGen allele CA2825002239.

ClinVar aggregate classification (germline): Pathogenic (1 of 4 stars; one submission).

Conditions:
Hereditary cancer-predisposing syndrome. Also called: Tumor predisposition; Hereditary neoplastic syndrome; Hereditary Cancer Syndrome; Neoplastic Syndromes, Hereditary. Identifiers: Orphanet 140162, MedGen C0027672, MeSH D009386, MONDO:0015356.

Submission:

Ambry Genetics
Classification: Pathogenic for Hereditary cancer-predisposing syndrome. Last evaluated: 2023-11-16. Review status: criteria provided, single submitter. Criteria: Ambry Variant Classification Scheme 2023. Collection method: clinical testing. Allele origin: germline.
Comment: The c.124dupA pathogenic mutation, located in coding exon 3 of the MAX gene, results from a duplication of A at nucleotide position 124, causing a translational frameshift with a predicted alternate stop codon (p.S42Kfs*45). This alteration occurs at the 3' terminus of theMAX gene, is not expected to trigger nonsense-mediated mRNA decay, and impacts the last 119 amino acids of the protein. However, premature stop codons are typically deleterious in nature and the impacted region is critical for protein function and a significant portion of the protein is affected (Ambry internal data). Based on the supporting evidence, this alteration is interpreted as a disease-causing mutation.